The following is an entry in ClinVar:

NM_017849.4(TMEM127):c.143T>A (p.Leu48His)

Gene: TMEM127 (transmembrane protein 127; minus strand). Cytogenetic location: 2q11.2.
Variant type: single nucleotide variant.
Coding change: c.143T>A on transcript NM_017849.4 (MANE Select); coding-DNA position 143, T replaced by A.
Protein change: p.Leu48His; replaces leucine 48 with histidine.
Molecular consequence: missense variant. On other transcripts: intron variant (1).
Genome position (GRCh38, 1-based): chr2:96,265,239, A>T on the plus strand (T>A on the coding strand, the complement: TMEM127 is on the minus strand). VCF-style: chr2-96265239-A-T. GRCh37 (hg19) VCF-style: chr2-96930977-A-T.
Other names: c.143T>A, p.Leu48His (NM_001193304.3); c.-9+630T>A (NM_001407283.1); short protein forms L48H.
Identifiers: ClinVar variation 2496962 (VCV002496962.2), dbSNP rs1219876266, ClinGen allele CA347656030.

ClinVar aggregate classification (germline): Uncertain significance (1 of 4 stars; one submission).

Conditions:
Hereditary cancer-predisposing syndrome. Also called: Neoplastic Syndromes, Hereditary; Hereditary neoplastic syndrome; Tumor predisposition; Hereditary Cancer Syndrome. Identifiers: Orphanet 140162, MedGen C0027672, MeSH D009386, MONDO:0015356.

Submission:

Ambry Genetics
Classification: Uncertain significance for Hereditary cancer-predisposing syndrome. Last evaluated: 2022-11-15. Review status: criteria provided, single submitter. Criteria: Ambry Variant Classification Scheme 2023. Collection method: clinical testing. Allele origin: germline.
Comment: The p.L48H variant (also known as c.143T>A), located in coding exon 1 of the TMEM127 gene, results from a T to A substitution at nucleotide position 143. The leucine at codon 48 is replaced by histidine, an amino acid with similar properties. This amino acid position is conserved. In addition, this alteration is predicted to be deleterious by in silico analysis. Since supporting evidence is limited at this time, the clinical significance of this alteration remains unclear.